The following is an entry in ClinVar:

ClinVar aggregate classification (germline): Likely benign (1 of 4 stars; one submission).

Allele frequency attached by ClinVar (database versions not stated): gnomAD exomes 0.00001.
gnomAD v4.1: 7 of 1,546,190 alleles (0.00045%); highest among the groups gnomAD compares: East Asian, 0.0024%; no homozygotes.

Submission:

GeneDx
Classification: Likely benign. Last evaluated: 2018-06-12. Review status: criteria provided, single submitter. Criteria: GeneDx Variant Classification (06012015). Collection method: clinical testing. Allele origin: germline. Affected: yes.
Comment: This variant is considered likely benign or benign based on one or more of the following criteria: it is a conservative change, it occurs at a poorly conserved position in the protein, it is predicted to be benign by multiple in silico algorithms, and/or has population frequency not consistent with disease.

NM_001379029.1(CERT1):c.-183G>T

Genes: POLK (DNA polymerase kappa; plus strand), CERT1 (ceramide transporter 1; minus strand). Cytogenetic location: 5q13.3.
Variant type: single nucleotide variant.
Coding change: c.-183G>T on transcript NM_001379029.1 (MANE Select); 183 bases upstream of the start codon, G replaced by T.
Molecular consequence: 5 prime UTR variant. On other transcripts: missense variant (1).
Genome position (GRCh38, 1-based): chr5:75,511,390, C>A on the plus strand (G>T on the coding strand, the complement: CERT1 is on the minus strand). VCF-style: chr5-75511390-C-A. GRCh37 (hg19) VCF-style: chr5-74807215-C-A.
Other names: c.202G>T, p.Ala68Ser (NM_001130105.1); c.-183G>T (NM_001379002.1, NM_001379003.1, NM_001379004.1 and 2 more transcripts); short protein forms A68S.
Identifiers: ClinVar variation 678851 (VCV000678851.1), dbSNP rs1175873980, ClinGen allele CA360140524.
Genomic context (GRCh38, chr5:75,511,390, plus strand): 5'-GGGGGAGCAGGAGGAGGGACGAAGTCCGCCCGCCGCGCCGCCGCCGCGCCTGACACCGAG[C>A]GGAGCGAGGAAGGAGGACGAGCGGTGAAGGAAGCCTACCCTTCCAGCCGTCAGCCGCCGC-3'